The following is an entry in ClinVar:

ClinVar aggregate classification (germline): Uncertain significance (1 of 4 stars; one submission).

Allele frequency attached by ClinVar (database versions not stated): TOPMed below 0.00001.

Submission:

Labcorp Genetics (formerly Invitae), Labcorp
Classification: Uncertain significance. Last evaluated: 2025-04-27. Review status: criteria provided, single submitter. Criteria: Invitae Variant Classification Sherloc (09022015). Collection method: clinical testing. Allele origin: germline.
Comment: This sequence change replaces aspartic acid, which is acidic and polar, with glutamic acid, which is acidic and polar, at codon 1405 of the CHD5 protein (p.Asp1405Glu). This variant is not present in population databases (gnomAD no frequency). This variant has not been reported in the literature in individuals affected with CHD5-related conditions. ClinVar contains an entry for this variant (Variation ID: 2854927). Invitae Evidence Modeling of protein sequence and biophysical properties (such as structural, functional, and spatial information, amino acid conservation, physicochemical variation, residue mobility, and thermodynamic stability) indicates that this missense variant is not expected to disrupt CHD5 protein function with a negative predictive value of 80%. In summary, the available evidence is currently insufficient to determine the role of this variant in disease. Therefore, it has been classified as a Variant of Uncertain Significance.

NM_015557.3(CHD5):c.4215C>G (p.Asp1405Glu)

Gene: CHD5 (chromodomain helicase DNA binding protein 5; minus strand). Cytogenetic location: 1p36.31.
Variant type: single nucleotide variant.
Coding change: c.4215C>G on transcript NM_015557.3 (MANE Select); coding-DNA position 4215, C replaced by G.
Protein change: p.Asp1405Glu; replaces aspartic acid 1405 with glutamic acid.
Molecular consequence: missense variant.
Genome position (GRCh38, 1-based): chr1:6,125,569, G>C on the plus strand (C>G on the coding strand, the complement: CHD5 is on the minus strand). VCF-style: chr1-6125569-G-C. GRCh37 (hg19) VCF-style: chr1-6185629-G-C.
Other names: short protein forms D1405E.
Identifiers: ClinVar variation 2854927 (VCV002854927.3), dbSNP rs1666542685, ClinGen allele CA338073234.